The following is an entry in ClinVar:

NM_001814.6(CTSC):c.1159A>T (p.Ile387Phe)

Gene: CTSC (cathepsin C; minus strand). Cytogenetic location: 11q14.2.
Variant type: single nucleotide variant.
Coding change: c.1159A>T on transcript NM_001814.6 (MANE Select); coding-DNA position 1159, A replaced by T.
Protein change: p.Ile387Phe; replaces isoleucine 387 with phenylalanine.
Molecular consequence: missense variant.
Genome position (GRCh38, 1-based): chr11:88,294,239, T>A on the plus strand (A>T on the coding strand, the complement: CTSC is on the minus strand). VCF-style: chr11-88294239-T-A. GRCh37 (hg19) VCF-style: chr11-88027407-T-A.
Other names: short protein forms I387F.
Identifiers: ClinVar variation 953826 (VCV000953826.8), dbSNP rs376474143, ClinGen allele CA6219765.

ClinVar aggregate classification (germline): Uncertain significance (1 of 4 stars; one submission).

Conditions:
Haim-Munk syndrome (HMS). Also called: COCHIN JEWISH DISORDER; KERATOSIS PALMOPLANTARIS WITH PERIODONTOPATHIA AND ONYCHOGRYPOSIS. Identifiers: Orphanet 2342, MedGen C1855627, MONDO:0009491, OMIM 245010.
Periodontitis, aggressive. Identifiers: MedGen C0031106, MONDO:0980757.
Papillon-Lefèvre syndrome (PALS). Also called: Papillon-Lefevre Disease; KERATOSIS PALMOPLANTARIS WITH PERIODONTOPATHIA. Identifiers: Orphanet 678, MedGen C0030360, MONDO:0009490, OMIM 245000.

Allele frequency attached by ClinVar (database versions not stated): 1000 Genomes Project 0.00020; TOPMed below 0.00001; 1000 Genomes Project 30x 0.00016; gnomAD exomes below 0.00001; gnomAD 0.00001; ExAC 0.00002; ESP Exome Variant Server 0.00008.
gnomAD v4.1: 2 of 1,613,916 alleles (0.00012%); highest among the groups gnomAD compares: South Asian, 0.0011%; no homozygotes.

Submission:

Labcorp Genetics (formerly Invitae), Labcorp
Classification: Uncertain significance for Haim-Munk syndrome; Periodontitis, aggressive; Papillon-Lefèvre syndrome. Last evaluated: 2019-07-26. Review status: criteria provided, single submitter. Criteria: Invitae Variant Classification Sherloc (09022015). Collection method: clinical testing. Allele origin: germline.
Comment: In summary, the available evidence is currently insufficient to determine the role of this variant in disease. Therefore, it has been classified as a Variant of Uncertain Significance. Algorithms developed to predict the effect of missense changes on protein structure and function are either unavailable or do not agree on the potential impact of this missense change (SIFT: "Deleterious"; PolyPhen-2: "Probably Damaging"; Align-GVGD: "Class C0"). This variant has not been reported in the literature in individuals with CTSC-related conditions. This variant is present in population databases (rs376474143, ExAC 0.006%). This sequence change replaces isoleucine with phenylalanine at codon 387 of the CTSC protein (p.Ile387Phe). The isoleucine residue is highly conserved and there is a small physicochemical difference between isoleucine and phenylalanine.